The following is an entry in ClinVar:

ClinVar aggregate classification (germline): Uncertain significance. Review status: criteria provided, single submitter (1 of 4 stars). 2 submissions from 2 submitters: Uncertain significance (1). 1 of the submissions does not count toward it. Last evaluated 2024-04-25.

Conditions:
Alstrom syndrome (ALMS). Identifiers: Orphanet 64, MedGen C0268425, MONDO:0008763, OMIM 203800.

Submissions (2):

Labcorp Genetics (formerly Invitae), Labcorp
Classification: Uncertain significance for Alstrom syndrome. Last evaluated: 2024-04-25. Review status: criteria provided, single submitter. Criteria: Invitae Variant Classification Sherloc (09022015). Collection method: clinical testing. Allele origin: germline.
Comment: This sequence change replaces proline, which is neutral and non-polar, with alanine, which is neutral and non-polar, at codon 591 of the ALMS1 protein (p.Pro591Ala). This variant is not present in population databases (gnomAD no frequency). This variant has not been reported in the literature in individuals affected with ALMS1-related conditions. Experimental studies and prediction algorithms are not available or were not evaluated, and the functional significance of this variant is currently unknown. In summary, the available evidence is currently insufficient to determine the role of this variant in disease. Therefore, it has been classified as a Variant of Uncertain Significance.

Natera, Inc.
Classification: Uncertain significance for Alstrom syndrome. Last evaluated: 2025-04-28. Review status: no assertion criteria provided. Collection method: clinical testing. Allele origin: germline. Not counted in ClinVar's aggregate classification.

NM_001378454.1(ALMS1):c.1768C>G (p.Pro590Ala)

Gene: ALMS1 (ALMS1 centrosome and basal body associated protein; plus strand). Cytogenetic location: 2p13.1.
Variant type: single nucleotide variant.
Coding change: c.1768C>G on transcript NM_001378454.1 (MANE Select); coding-DNA position 1768, C replaced by G.
Protein change: p.Pro590Ala; replaces proline 590 with alanine.
Molecular consequence: missense variant.
Genome position (GRCh38, 1-based): chr2:73,448,295, C>G. VCF-style: chr2-73448295-C-G. GRCh37 (hg19) VCF-style: chr2-73675422-C-G.
Other names: c.1771C>G, p.Pro591Ala (NM_015120.4); short protein forms P590A, P591A.
Identifiers: ClinVar variation 3687444 (VCV003687444.3).